The following is an entry in ClinVar:

NM_000492.4(CFTR):c.466A>G (p.Met156Val)

Gene: CFTR (CF transmembrane conductance regulator; plus strand). Cytogenetic location: 7q31.2.
Variant type: single nucleotide variant.
Coding change: c.466A>G on transcript NM_000492.4 (MANE Select); coding-DNA position 466, A replaced by G.
Protein change: p.Met156Val; replaces methionine 156 with valine.
Molecular consequence: missense variant.
Genome position (GRCh38, 1-based): chr7:117,531,091, A>G. VCF-style: chr7-117531091-A-G. GRCh37 (hg19) VCF-style: chr7-117171145-A-G.
Other names: short protein forms M156V.
Identifiers: ClinVar variation 1742296 (VCV001742296.7), dbSNP rs374689323, ClinGen allele CA4450727.

ClinVar aggregate classification (germline): Uncertain significance. Review status: criteria provided, multiple submitters, no conflicts (2 of 4 stars). 3 submissions from 3 submitters: Uncertain significance (3). Last evaluated 2025-01-07.

Conditions:
CFTR-related disorder (CFTR-RD). Also called: CFTR-related disorders; CFTR-related condition. Identifiers: MedGen C5924204, MONDO:7770004.
Cystic fibrosis (CF). Also called: MUCOVISCIDOSIS. Identifiers: Orphanet 586, MedGen C0010674, MONDO:0009061, OMIM 219700. Disease mechanism: loss of function.

Allele frequency attached by ClinVar (database versions not stated): gnomAD exomes below 0.00001; gnomAD 0.00002; TOPMed 0.00003; ExAC 0.00004; ESP Exome Variant Server 0.00008.

Submissions (3):

PreventionGenetics, part of Exact Sciences
Classification: Uncertain significance for CFTR-related condition. Last evaluated: 2025-01-07. Review status: criteria provided, single submitter. Criteria: ACMG Guidelines, 2015. Collection method: clinical testing. Allele origin: germline.
Comment: The CFTR c.466A>G variant is predicted to result in the amino acid substitution p.Met156Val. To our knowledge, this variant has not been reported in the literature. This variant is reported in 0.020% of alleles in individuals of East Asian descent in gnomAD. At this time, the clinical significance of this variant is uncertain due to the absence of conclusive functional and genetic evidence.

Ambry Genetics
Classification: Uncertain significance for Cystic fibrosis. Last evaluated: 2024-07-15. Review status: criteria provided, single submitter. Criteria: Ambry Variant Classification Scheme 2023. Collection method: clinical testing. Allele origin: germline.
Comment: The p.M156V variant (also known as c.466A>G), located in coding exon 4 of the CFTR gene, results from an A to G substitution at nucleotide position 466. The methionine at codon 156 is replaced by valine, an amino acid with highly similar properties. In one study, this alteration was constructed in vitro and placed in cis with a truncation mutation to determine if this change can be an alternate initiation codon. Although results suggested it may behave as an alternative initiation site, the final active structure of CFTR was still not obtained (Ramalho et al. Cell. Physiol. Biochem. 2009 ;24(5-6):335-46). This amino acid position is not well conserved in available vertebrate species. In addition, the in silico prediction for this alteration is inconclusive. Based on the available evidence, the clinical significance of this variant remains unclear.

Revvity Omics, Revvity
Classification: Uncertain significance. Last evaluated: 2022-04-02. Review status: criteria provided, single submitter. Criteria: ACMG Guidelines, 2015. Collection method: clinical testing. Allele origin: germline.

Literature cited by the submitters: PubMed 19910674 (cited by Ambry Genetics).